The following is an entry in ClinVar:

ClinVar aggregate classification (germline): Uncertain significance. Review status: criteria provided, multiple submitters, no conflicts (2 of 4 stars). 2 submissions from 2 submitters: Uncertain significance (2). Last evaluated 2025-11-25.

Conditions:
X-linked Emery-Dreifuss muscular dystrophy. Also called: Muscular dystrophy, tardive Emery-Dreifuss type, with contractures. Identifiers: Orphanet 261, Orphanet 98863, MedGen C0751337, MONDO:0010680.
Emery-Dreifuss muscular dystrophy 1, X-linked (EDMD1). Also called: Muscular dystrophy, tardive, Dreifuss-Emery type, with contractures; SCAPULOPERONEAL SYNDROME, X-LINKED; HUMEROPERONEAL NEUROMUSCULAR DISEASE; EMD-Related Emery-Dreifuss Muscular Dystrophy, X-Linked. Identifiers: MedGen CN375556, MONDO:0100531, OMIM 310300.

gnomAD v4.1: 1 of 1,205,315 alleles (0.000083%); no homozygotes.

Submissions (2):

Labcorp Genetics (formerly Invitae), Labcorp
Classification: Uncertain significance for X-linked Emery-Dreifuss muscular dystrophy. Last evaluated: 2025-11-25. Review status: criteria provided, single submitter. Criteria: Invitae Variant Classification Sherloc (09022015). Collection method: clinical testing. Allele origin: germline.
Comment: This sequence change replaces alanine, which is neutral and non-polar, with serine, which is neutral and polar, at codon 55 of the EMD protein (p.Ala55Ser). This variant is not present in population databases (gnomAD no frequency). This variant has not been reported in the literature in individuals affected with EMD-related conditions. ClinVar contains an entry for this variant (Variation ID: 4078568). Invitae Evidence Modeling of protein sequence and biophysical properties (such as structural, functional, and spatial information, amino acid conservation, physicochemical variation, residue mobility, and thermodynamic stability) indicates that this missense variant is not expected to disrupt EMD protein function with a negative predictive value of 80%. In summary, the available evidence is currently insufficient to determine the role of this variant in disease. Therefore, it has been classified as a Variant of Uncertain Significance.

Revvity Omics, Revvity
Classification: Uncertain significance for Emery-Dreifuss muscular dystrophy 1, X-linked. Last evaluated: 2025-03-10. Review status: criteria provided, single submitter. Criteria: ACMG Guidelines, 2015. Collection method: clinical testing. Allele origin: germline.

NM_000117.3(EMD):c.163G>T (p.Ala55Ser)

Gene: EMD (emerin; plus strand). Cytogenetic location: Xq28.
Variant type: single nucleotide variant.
Coding change: c.163G>T on transcript NM_000117.3 (MANE Select); coding-DNA position 163, G replaced by T.
Protein change: p.Ala55Ser; replaces alanine 55 with serine.
Molecular consequence: missense variant.
Genome position (GRCh38, 1-based): chrX:154,379,770, G>T. VCF-style: chrX-154379770-G-T. GRCh37 (hg19) VCF-style: chrX-153608130-G-T.
Other names: short protein forms A55S.
Identifiers: ClinVar variation 4078568 (VCV004078568.2).
Genomic context (GRCh38, chrX:154,379,770, plus strand): 5'-GAGAAGAAGATCTTCGAGTACGAGACCCAGAGGCGGCGGCTCTCGCCCCCCAGCTCGTCC[G>T]CCGCCTCCTCTTATAGCTTCTCTGGTGAGAGCCTCGCCTGTGGGGACAGCCTGGGACGCG-3'
Protein context (NP_000108.1, residues 45-65): RRRLSPPSSS[Ala55Ser]ASSYSFSDLN